The following is an entry in ClinVar:

NM_002693.3(POLG):c.1958A>T (p.Glu653Val)

Gene: POLG (DNA polymerase gamma, catalytic subunit; minus strand). Cytogenetic location: 15q26.1.
Variant type: single nucleotide variant.
Coding change: c.1958A>T on transcript NM_002693.3 (MANE Select); coding-DNA position 1958, A replaced by T.
Protein change: p.Glu653Val; replaces glutamic acid 653 with valine.
Molecular consequence: missense variant.
Genome position (GRCh38, 1-based): chr15:89,324,219, T>A on the plus strand (A>T on the coding strand, the complement: POLG is on the minus strand). VCF-style: chr15-89324219-T-A. GRCh37 (hg19) VCF-style: chr15-89867450-T-A.
Other names: c.1958A>T, p.Glu653Val (NM_001126131.2); short protein forms E653V.
Identifiers: ClinVar variation 655061 (VCV000655061.9), dbSNP rs752073900, ClinGen allele CA7724633.

ClinVar aggregate classification (germline): Uncertain significance. Review status: criteria provided, multiple submitters, no conflicts (2 of 4 stars). 2 submissions from 2 submitters: Uncertain significance (2). Last evaluated 2026-02-01.

Conditions:
Progressive sclerosing poliodystrophy (MTDPS4A). Also called: ALPERS PROGRESSIVE INFANTILE POLIODYSTROPHY; ALPERS DIFFUSE DEGENERATION OF CEREBRAL GRAY MATTER WITH HEPATIC CIRRHOSIS; Alpers-Huttenlocher Syndrome; Mitochondrial DNA depletion syndrome 4A (Alpers type); Alpers-Huttenlocher Syndrome (AHS); NEURONAL DEGENERATION OF CHILDHOOD WITH LIVER DISEASE, PROGRESSIVE. Identifiers: Orphanet 726, MedGen C0205710, MONDO:0008758, OMIM 203700.

Allele frequency attached by ClinVar (database versions not stated): gnomAD below 0.00001 and 0.00001; gnomAD exomes 0.00001 and 0.00003; ExAC 0.00002.
gnomAD v4.1: 17 of 1,612,696 alleles (0.0011%); highest among the groups gnomAD compares: South Asian, 0.019%; no homozygotes.

Submissions (2):

Labcorp Genetics (formerly Invitae), Labcorp
Classification: Uncertain significance for Progressive sclerosing poliodystrophy. Last evaluated: 2026-02-01. Review status: criteria provided, single submitter. Criteria: Invitae Variant Classification Sherloc (09022015). Collection method: clinical testing. Allele origin: germline.
Comment: This sequence change replaces glutamic acid, which is acidic and polar, with valine, which is neutral and non-polar, at codon 653 of the POLG protein (p.Glu653Val). This variant is present in population databases (rs752073900, gnomAD 0.02%). This variant has not been reported in the literature in individuals affected with POLG-related conditions. ClinVar contains an entry for this variant (Variation ID: 655061). Invitae Evidence Modeling of protein sequence and biophysical properties (such as structural, functional, and spatial information, amino acid conservation, physicochemical variation, residue mobility, and thermodynamic stability) indicates that this missense variant is expected to disrupt POLG protein function with a positive predictive value of 95%. Algorithms developed to predict the effect of sequence changes on RNA splicing suggest that this variant may create or strengthen a splice site. In summary, the available evidence is currently insufficient to determine the role of this variant in disease. Therefore, it has been classified as a Variant of Uncertain Significance.

GeneDx
Classification: Uncertain significance. Last evaluated: 2019-04-02. Review status: criteria provided, single submitter. Criteria: GeneDx Variant Classification Process June 2021. Collection method: clinical testing. Allele origin: germline. Affected: yes.
Comment: Has not been previously published as pathogenic or benign to our knowledge; In silico analysis, which includes protein predictors and evolutionary conservation, supports that this variant does not alter protein structure/function